The following is an entry in ClinVar:

ClinVar aggregate classification (germline): Uncertain significance (1 of 4 stars; one submission).

Submission:

Illumina Laboratory Services, Illumina
Classification: Uncertain significance. Last evaluated: 2021-06-29. Review status: criteria provided, single submitter. Criteria: ICSL CNVClassificationCriteria Aug2020. Collection method: clinical testing. Allele origin: unknown.
Comment: This CNV is a 1.6 Mb triplication of 7q36.1q36.2 on chromosome 7, (seq[GRCh37]trp(7)(q36.1q36.2); chr7:g.151550461_153195115trp). This gain affects six protein-coding genes, including PRKAG2, GALNTL5, GALNT11, KMT2C, XRCC2, and ACTR3B, with one of the breakpoints affecting one of the transcripts of the PRKAG2 gene and the other localized to an intergenic region. Although PRKAG2 has been associated with autosomal dominant conditions including hypertrophic cardiomyopathy, glycogen storage disease of heart, and Wolff-Parkinson-White syndrome, haploinsufficiency does not appear to be a mechanism of disease. A similar triplication has been reported to occur de novo in an individual with hypotonia, respiratory distress, feeding difficulties, developmental delay, cardiovascular malformation, growth failure with microcephaly, short stature, underweight, sensorineural hearing loss, myopia, astigmatism, cryptorchidism, hypospadias, microphallus, lower extremity length discrepancy, bifid uvula, single palmer creases, dysmorphic facial features, and whose prenatal course was complicated by oligohydramnios, intrauterine growth retardation, and decreased fetal movement (Al Dhaibani et al. 2017). The triplicated region in the reported individual contained the GALNTL5, GALNT11, KMT2C, XRCC2, and ACTR3B genes. The observed triplication has not been reported in published controls and no similar gains are seen in version 2.1.1 of the Genome Aggregation Database. Of note, this event also fully encompasses the KMT2C gene, which is associated with autosomal dominant Kleefstra syndrome. However, there are no duplications described in association with KMT2C-related Kleefstra syndrome, for which loss-of-function variants are a known mechanism of disease (Kleefstra et al. 2019). Based on the available evidence, this CNV is classified as variant of uncertain significance.

Literature cited by the submitters: PubMed 20945554; PubMed 29061174.

GRCh37/hg19 7q36.1-36.2(chr7:151550461-153195115)x4

Genes: ACTR3B (actin related protein 3B; plus strand), GALNT11 (polypeptide N-acetylgalactosaminyltransferase 11; plus strand), GALNTL5 (polypeptide N-acetylgalactosaminyltransferase like 5; plus strand), KMT2C (lysine methyltransferase 2C; minus strand), PRKAG2 (protein kinase AMP-activated non-catalytic subunit gamma 2; minus strand) and 1 more. Cytogenetic location: 7q36.1-36.2.
Variant type: copy number gain.
Change: copy number 4 of chr7:151,550,461-153,195,115 (1.64 Mb, GRCh37 coordinates, 1-based), cytogenetic band 7q36.1-36.2.
Identifiers: ClinVar variation 1328456 (VCV001328456.4).